The following is an entry in ClinVar:

NM_000287.4(PEX6):c.2095-2A>G

Gene: PEX6 (peroxisomal biogenesis factor 6; minus strand). Cytogenetic location: 6p21.1.
Variant type: single nucleotide variant.
Coding change: c.2095-2A>G on transcript NM_000287.4 (MANE Select); the canonical splice acceptor site of the intron before coding-DNA position 2095, A replaced by G.
Molecular consequence: splice acceptor variant.
Genome position (GRCh38, 1-based): chr6:42,966,449, T>C on the plus strand (A>G on the coding strand, the complement: PEX6 is on the minus strand). VCF-style: chr6-42966449-T-C. GRCh37 (hg19) VCF-style: chr6-42934187-T-C.
Other names: c.1831-2A>G (NM_001316313.2).
Identifiers: ClinVar variation 2734861 (VCV002734861.4), dbSNP rs267608234, ClinGen allele CA138223278.
Genomic context (GRCh38, chr6:42,966,449, plus strand): 5'-AGGATCTCCTTCTTCACCTCCTGCAGCCCACCCACATCATGCCAGGACACTGAGGGGATC[T>C]AGGAGATGGAAAGTGCGTGGTTGGGATATGCTCTTGGAGGGGCTCCTGTCCCACCTCCAA-3'

ClinVar aggregate classification (germline): Likely pathogenic. Review status: criteria provided, multiple submitters, no conflicts (2 of 4 stars). 2 submissions from 2 submitters: Likely pathogenic (2). Last evaluated 2023-09-22.

Conditions:
PEX6-related disorder. Also called: PEX6-related disorders; PEX6-related condition.
Peroxisome biogenesis disorder. Identifiers: Orphanet 79189, MedGen C1832200, MONDO:0019234. Disease mechanism: loss of function.

Submissions (2):

Labcorp Genetics (formerly Invitae), Labcorp
Classification: Likely pathogenic for Peroxisome biogenesis disorder. Last evaluated: 2023-09-22. Review status: criteria provided, single submitter. Criteria: Invitae Variant Classification Sherloc (09022015). Collection method: clinical testing. Allele origin: germline.
Comment: This sequence change affects an acceptor splice site in intron 10 of the PEX6 gene. It is expected to disrupt RNA splicing. Variants that disrupt the donor or acceptor splice site typically lead to a loss of protein function (PMID: 16199547), and loss-of-function variants in PEX6 are known to be pathogenic (PMID: 10408779, 21031596, 31831025). This variant is not present in population databases (gnomAD no frequency). Disruption of this splice site has been observed in individual(s) with Zellweger spectrum disorder (PMID: 19877282). Algorithms developed to predict the effect of sequence changes on RNA splicing suggest that this variant may disrupt the consensus splice site. In summary, the currently available evidence indicates that the variant is pathogenic, but additional data are needed to prove that conclusively. Therefore, this variant has been classified as Likely Pathogenic.

Blueprint Genetics
Classification: Likely pathogenic for PEX6-related disorders. Last evaluated: 2022-11-14. Review status: criteria provided, single submitter. Criteria: ACMG Guidelines, 2015. Collection method: clinical testing. Allele origin: germline. Affected: yes. Observed: 2 variant alleles.

Literature cited by the submitters: PubMed 16199547 (cited by Labcorp Genetics (formerly Invitae), Labcorp); PubMed 10408779 (cited by Labcorp Genetics (formerly Invitae), Labcorp); PubMed 21031596 (cited by Labcorp Genetics (formerly Invitae), Labcorp); PubMed 31831025 (cited by Labcorp Genetics (formerly Invitae), Labcorp); PubMed 19877282 (cited by Labcorp Genetics (formerly Invitae), Labcorp).